The following is an entry in ClinVar:

NM_024120.5(NDUFAF5):c.667A>C (p.Asn223His)

Gene: NDUFAF5 (NADH:ubiquinone oxidoreductase complex assembly factor 5; plus strand). Cytogenetic location: 20p12.1.
Variant type: single nucleotide variant.
Coding change: c.667A>C on transcript NM_024120.5 (MANE Select); coding-DNA position 667, A replaced by C.
Protein change: p.Asn223His; replaces asparagine 223 with histidine.
Molecular consequence: missense variant. On other transcripts: non-coding transcript variant (7).
Genome position (GRCh38, 1-based): chr20:13,801,633, A>C. VCF-style: chr20-13801633-A-C. GRCh37 (hg19) VCF-style: chr20-13782279-A-C.
Other names: c.106A>C, p.Asn36His (NM_001352407.2, NM_001352406.2); c.667A>C, p.Asn223His (NM_001352408.2); c.583A>C, p.Asn195His (NM_001039375.3); c.196A>C, p.Asn66His (NM_001352403.2); short protein forms N36H, N223H, N66H, N195H.
Identifiers: ClinVar variation 765787 (VCV000765787.14), dbSNP rs199543540, ClinGen allele CA9767833.
Genomic context (GRCh38, chr20:13,801,633, plus strand): 5'-TTAGCGGAAACGGAAAGGGAAGGAGGATTTTCTCCACACATTTCTCCTTTCACTGCTGTC[A>C]ATGACCTGGGACATCTGCTTGGGAGAGCTGGCTTTAATACTCTGACTGTGGTAACTATCA-3'
Protein context (NP_077025.2, residues 213-233): SPHISPFTAV[Asn223His]DLGHLLGRAG

ClinVar aggregate classification (germline): Conflicting classifications of pathogenicity. Review status: criteria provided, conflicting classifications (1 of 4 stars). 3 submissions from 3 submitters: Uncertain significance (1); Likely benign (1). 1 of the submissions does not count toward it. Last evaluated 2025-12-29.

Conditions:
Leigh syndrome (NULS). Also called: Leigh Syndrome (mtDNA deletion); Leigh's syndrome; Leigh Disease; LEIGH SYNDROME, NUCLEAR; Subacute necrotizing encephalopathy; Necrotizing encephalopathy infantile subacute of Leigh. Identifiers: Orphanet 506, MedGen C2931891, MONDO:0009723, OMIM 256000.

Allele frequency attached by ClinVar (database versions not stated): gnomAD 0.00006 and 0.00008; ExAC 0.00013; gnomAD exomes 0.00016; TOPMed 0.00016; 1000 Genomes Project 0.00040; 1000 Genomes Project 30x 0.00047.
gnomAD v4.1: 73 of 1,614,092 alleles (0.0045%); highest among the groups gnomAD compares: East Asian, 0.15%; no homozygotes.

Submissions (3):

Labcorp Genetics (formerly Invitae), Labcorp
Classification: Likely benign. Last evaluated: 2025-12-29. Review status: criteria provided, single submitter. Criteria: Invitae Variant Classification Sherloc (09022015). Collection method: clinical testing. Allele origin: germline.

GeneDx
Classification: Uncertain significance. Last evaluated: 2021-06-29. Review status: criteria provided, single submitter. Criteria: GeneDx Variant Classification Process June 2021. Collection method: clinical testing. Allele origin: germline. Affected: yes.
Comment: In silico analysis supports that this missense variant does not alter protein structure/function; Has not been previously published as pathogenic or benign to our knowledge

Natera, Inc.
Classification: Uncertain significance for Leigh syndrome. Last evaluated: 2020-09-28. Review status: no assertion criteria provided. Collection method: clinical testing. Allele origin: germline. Not counted in ClinVar's aggregate classification.